The following is an entry in ClinVar:

ClinVar aggregate classification (germline): Likely benign. Review status: criteria provided, multiple submitters, no conflicts (2 of 4 stars). 3 submissions from 3 submitters: Likely benign (3). Last evaluated 2026-07-29.

Conditions:
RGR-related disorder. Also called: RGR-related condition.

Allele frequency attached by ClinVar (database versions not stated): gnomAD 0.00003; ExAC 0.00004; gnomAD exomes 0.00004; TOPMed 0.00004; ESP Exome Variant Server 0.00015.

Submissions (3):

PreventionGenetics, part of Exact Sciences
Classification: Likely benign for RGR-related condition. Last evaluated: 2026-07-29. Review status: criteria provided, single submitter. Criteria: ACMG Guidelines, 2015. Collection method: clinical testing. Allele origin: germline.
Comment: This variant is classified as likely benign based on ACMG/AMP sequence variant interpretation guidelines (Richards et al. 2015 PMID: 25741868, with internal and published modifications).

Labcorp Genetics (formerly Invitae), Labcorp
Classification: Likely benign. Last evaluated: 2026-01-11. Review status: criteria provided, single submitter. Criteria: Invitae Variant Classification Sherloc (09022015). Collection method: clinical testing. Allele origin: germline.

Blueprint Genetics
Classification: Likely benign. Last evaluated: 2022-09-20. Review status: criteria provided, single submitter. Criteria: ACMG Guidelines, 2015. Collection method: clinical testing. Allele origin: germline.

NM_001012720.2(RGR):c.846G>A (p.Pro282=)

Gene: RGR (retinal G protein coupled receptor; plus strand). Cytogenetic location: 10q23.1.
Variant type: single nucleotide variant.
Coding change: c.846G>A on transcript NM_001012720.2 (MANE Select); coding-DNA position 846, G replaced by A.
Protein change: p.Pro282=; no amino-acid change (proline 282 retained).
Molecular consequence: synonymous variant.
Genome position (GRCh38, 1-based): chr10:84,258,609, G>A. VCF-style: chr10-84258609-G-A. GRCh37 (hg19) VCF-style: chr10-86018365-G-A.
Other names: c.732G>A, p.Pro244= (NM_001012722.2); c.858G>A, p.Pro286= (NM_002921.4); c.846G>A (NM_001012720.1).
Identifiers: ClinVar variation 1919966 (VCV001919966.7), dbSNP rs151338362, ClinGen allele CA5581604.